The following is an entry in ClinVar:

ClinVar aggregate classification (germline): Uncertain significance. Review status: criteria provided, multiple submitters, no conflicts (2 of 4 stars). 2 submissions from 2 submitters: Uncertain significance (2). Last evaluated 2025-01-09.

Conditions:
Hereditary cancer-predisposing syndrome. Also called: Tumor predisposition; Hereditary Cancer Syndrome; Hereditary neoplastic syndrome; Neoplastic Syndromes, Hereditary. Identifiers: Orphanet 140162, MedGen C0027672, MeSH D009386, MONDO:0015356.
Rhabdoid tumor predisposition syndrome 2 (RTPS2). Identifiers: Orphanet 231108, Orphanet 69077, MedGen C2750074, MONDO:0013224, OMIM 613325.

Allele frequency attached by ClinVar (database versions not stated): gnomAD exomes below 0.00001; ExAC 0.00001.

Submissions (2):

Ambry Genetics
Classification: Uncertain significance for Hereditary cancer-predisposing syndrome. Last evaluated: 2025-01-09. Review status: criteria provided, single submitter. Criteria: Ambry Variant Classification Scheme 2023. Collection method: clinical testing. Allele origin: germline.
Comment: The p.L28M variant (also known as c.82C>A), located in coding exon 1 of the SMARCA4 gene, results from a C to A substitution at nucleotide position 82. The leucine at codon 28 is replaced by methionine, an amino acid with highly similar properties. This amino acid position is conserved. In addition, this alteration is predicted to be tolerated by in silico analysis. Based on the available evidence, the clinical significance of this variant remains unclear.

Labcorp Genetics (formerly Invitae), Labcorp
Classification: Uncertain significance for Rhabdoid tumor predisposition syndrome 2. Last evaluated: 2022-01-18. Review status: criteria provided, single submitter. Criteria: Invitae Variant Classification Sherloc (09022015). Collection method: clinical testing. Allele origin: germline.
Comment: In summary, the available evidence is currently insufficient to determine the role of this variant in disease. Therefore, it has been classified as a Variant of Uncertain Significance. Algorithms developed to predict the effect of missense changes on protein structure and function are either unavailable or do not agree on the potential impact of this missense change (SIFT: "Tolerated"; PolyPhen-2: "Not Available"; Align-GVGD: "Class C0"). ClinVar contains an entry for this variant (Variation ID: 537773). This variant has not been reported in the literature in individuals affected with SMARCA4-related conditions. This variant is present in population databases (rs776688705, gnomAD 0.007%). This sequence change replaces leucine, which is neutral and non-polar, with methionine, which is neutral and non-polar, at codon 28 of the SMARCA4 protein (p.Leu28Met).

NM_003072.5(SMARCA4):c.82C>A (p.Leu28Met)

Gene: SMARCA4 (SWI/SNF related BAF chromatin remodeling complex subunit ATPase 4; plus strand). Cytogenetic location: 19p13.2.
Variant type: single nucleotide variant.
Coding change: c.82C>A on transcript NM_003072.5 (MANE Select); coding-DNA position 82, C replaced by A.
Protein change: p.Leu28Met; replaces leucine 28 with methionine.
Molecular consequence: missense variant. On other transcripts: non-coding transcript variant (1).
Genome position (GRCh38, 1-based): chr19:10,984,233, C>A. VCF-style: chr19-10984233-C-A. GRCh37 (hg19) VCF-style: chr19-11094909-C-A.
Other names: c.82C>A, p.Leu28Met (NM_001128844.3, NM_001128845.2, NM_001128846.2 and 5 more transcripts); short protein forms L28M.
Identifiers: ClinVar variation 537773 (VCV000537773.11), dbSNP rs776688705, ClinGen allele CA9203394.